The following is an entry in ClinVar:

ClinVar aggregate classification (germline): Likely benign. Review status: criteria provided, multiple submitters, no conflicts (2 of 4 stars). 2 submissions from 2 submitters: Likely benign (2). Last evaluated 2024-11-01.

Allele frequency attached by ClinVar (database versions not stated): gnomAD 0.00001; ExAC 0.00002; gnomAD exomes 0.00002.
gnomAD v4.1: 26 of 1,613,900 alleles (0.0016%); highest among the groups gnomAD compares: South Asian, 0.027%; no homozygotes.

Submissions (2):

CeGaT Center for Human Genetics Tuebingen
Classification: Likely benign. Last evaluated: 2024-11-01. Review status: criteria provided, single submitter. Criteria: CeGaT Center For Human Genetics Tuebingen Variant Classification Criteria Version 2. Collection method: clinical testing. Allele origin: germline. Affected: yes. Observed: 1 variant allele.
Comment: CAMK2B: BP4, BP7

Labcorp Genetics (formerly Invitae), Labcorp
Classification: Likely benign. Last evaluated: 2023-06-04. Review status: criteria provided, single submitter. Criteria: Invitae Variant Classification Sherloc (09022015). Collection method: clinical testing. Allele origin: germline.

NM_001220.5(CAMK2B):c.540C>T (p.Tyr180=)

Gene: CAMK2B (calcium/calmodulin dependent protein kinase II beta; minus strand). Cytogenetic location: 7p13.
Variant type: single nucleotide variant.
Coding change: c.540C>T on transcript NM_001220.5 (MANE Select); coding-DNA position 540, C replaced by T.
Protein change: p.Tyr180=; no amino-acid change (tyrosine 180 retained).
Molecular consequence: synonymous variant.
Genome position (GRCh38, 1-based): chr7:44,243,311, G>A on the plus strand (C>T on the coding strand, the complement: CAMK2B is on the minus strand). VCF-style: chr7-44243311-G-A. GRCh37 (hg19) VCF-style: chr7-44282910-G-A.
Other names: c.540C>T, p.Tyr180= (NM_001293170.2, NM_172078.3, NM_172079.3 and 5 more transcripts).
Identifiers: ClinVar variation 2977480 (VCV002977480.17), dbSNP rs755047535, ClinGen allele CA4240666.